The following is an entry in ClinVar:

ClinVar aggregate classification (germline): Uncertain significance. Review status: criteria provided, multiple submitters, no conflicts (2 of 4 stars). 2 submissions from 2 submitters: Uncertain significance (2). Last evaluated 2024-11-27.

Conditions:
Glycine encephalopathy. Also called: Non-ketotic hyperglycinemia; Nonketotic hyperglycinemia. Identifiers: Orphanet 407, MedGen C0751748, MONDO:0011612, HP:0008288.

Allele frequency attached by ClinVar (database versions not stated): TOPMed below 0.00001; gnomAD exomes 0.00001.
gnomAD v4.1: 7 of 1,611,742 alleles (0.00043%); highest among the groups gnomAD compares: Non-Finnish European, 0.00059%; no homozygotes.

Submissions (2):

GeneDx
Classification: Uncertain significance. Last evaluated: 2024-11-27. Review status: criteria provided, single submitter. Criteria: GeneDx Variant Classification Process June 2021. Collection method: clinical testing. Allele origin: germline. Affected: yes.
Comment: Not observed at significant frequency in large population cohorts (gnomAD); In silico analysis supports that this missense variant has a deleterious effect on protein structure/function; Has not been previously published as pathogenic or benign to our knowledge

Labcorp Genetics (formerly Invitae), Labcorp
Classification: Uncertain significance for Glycine encephalopathy. Last evaluated: 2022-04-07. Review status: criteria provided, single submitter. Criteria: Invitae Variant Classification Sherloc (09022015). Collection method: clinical testing. Allele origin: germline.
Comment: This sequence change replaces tyrosine, which is neutral and polar, with cysteine, which is neutral and slightly polar, at codon 993 of the GLDC protein (p.Tyr993Cys). This variant is present in population databases (no rsID available, gnomAD 0.0009%). This variant has not been reported in the literature in individuals affected with GLDC-related conditions. Advanced modeling of protein sequence and biophysical properties (such as structural, functional, and spatial information, amino acid conservation, physicochemical variation, residue mobility, and thermodynamic stability) performed at Invitae indicates that this missense variant is expected to disrupt GLDC protein function. In summary, the available evidence is currently insufficient to determine the role of this variant in disease. Therefore, it has been classified as a Variant of Uncertain Significance.

NM_000170.3(GLDC):c.2978A>G (p.Tyr993Cys)

Gene: GLDC (glycine decarboxylase; minus strand). Cytogenetic location: 9p24.1.
Variant type: single nucleotide variant.
Coding change: c.2978A>G on transcript NM_000170.3 (MANE Select); coding-DNA position 2978, A replaced by G.
Protein change: p.Tyr993Cys; replaces tyrosine 993 with cysteine.
Molecular consequence: missense variant.
Genome position (GRCh38, 1-based): chr9:6,533,102, T>C on the plus strand (A>G on the coding strand, the complement: GLDC is on the minus strand). VCF-style: chr9-6533102-T-C. GRCh37 (hg19) VCF-style: chr9-6533102-T-C.
Other names: short protein forms Y993C.
Identifiers: ClinVar variation 1949491 (VCV001949491.3), dbSNP rs1187433357, ClinGen allele CA372881665.